The following is an entry in ClinVar:

ClinVar aggregate classification (germline): Pathogenic/Likely pathogenic. Review status: criteria provided, multiple submitters, no conflicts (2 of 4 stars). 3 submissions from 3 submitters: Pathogenic (1); Likely pathogenic (2). Last evaluated 2024-06-06.

Conditions:
Ehlers-Danlos syndrome, type 4 (EDSVASC). Also called: Ehlers-Danlos syndrome vascular type; Ehlers Danlos syndrome, ecchymotic type; Ehlers Danlos syndrome, arterial type; Ehlers Danlos syndrome, Sack-Barabas type; Ehlers-Danlos Syndrome Type IV. Identifiers: Orphanet 286, MedGen C0268338, MONDO:0017314, OMIM 130050.

Submissions (3):

Department of Clinical Genetics, Copenhagen University Hospital, Rigshospitalet
Classification: Likely pathogenic for Ehlers-Danlos syndrome, type 4. Last evaluated: 2024-06-06. Review status: criteria provided, single submitter. Criteria: ACMG Guidelines, 2015. Collection method: clinical testing. Allele origin: germline.
Comment: PM2_M, PM1_M, PS1_M, PP3_Sup, PP2_Sup

Labcorp Genetics (formerly Invitae), Labcorp
Classification: Pathogenic for Ehlers-Danlos syndrome, type 4. Last evaluated: 2019-12-06. Review status: criteria provided, single submitter. Criteria: Invitae Variant Classification Sherloc (09022015). Collection method: clinical testing. Allele origin: germline.
Comment: For these reasons, this variant has been classified as Pathogenic. Glycine residues within the Gly-Xaa-Yaa repeats of the triple helix domain are required for the structure and stability of fibrillar collagens (PMID: 7695699, 8218237, 19344236). In COL3A1, variants that affect these glycine residues are significantly enriched in individuals with disease (PMID: 24922459, 25758994) compared to the general population (ExAC). Algorithms developed to predict the effect of missense changes on protein structure and function are either unavailable or do not agree on the potential impact of this missense change (SIFT: "Deleterious"; PolyPhen-2: "Not Available"; Align-GVGD: "Class C65"). This variant has been observed in individual(s) with Ehlers-Danlos syndrome (PMID: 7912131). It has also been observed to segregate with disease in related individuals. This variant is also known as Gly589Glu. in the literature. ClinVar contains an entry for this variant (Variation ID: 667403). This variant is not present in population databases (ExAC no frequency). This sequence change replaces glycine with glutamic acid at codon 756 of the COL3A1 protein (p.Gly756Glu). The glycine residue is highly conserved and there is a moderate physicochemical difference between glycine and glutamic acid.

Laboratory for Molecular Medicine, Mass General Brigham Personalized Medicine
Classification: Likely pathogenic for Ehlers-Danlos syndrome, type 4. Last evaluated: 2018-02-09. Review status: criteria provided, single submitter. Criteria: LMM Criteria. Collection method: clinical testing. Allele origin: germline. Inheritance: Autosomal dominant inheritance. Observed: 1 variant allele.
Comment: The p.Gly756Glu variant in COL3A1 (also described as p.Gly589Glu in the literatu re) has been reported in 1 individual with clinical features of Ehlers-Danlos sy ndrome type IV and segregated with disease in 3 affected relatives, including on e obligate carrier, from 1 family (Madhatheri 1994). This variant was absent fro m large population studies. Computational prediction tools and conservation anal ysis suggest that the p.Gly756Glu variant may impact the protein. Variants in CO L3A1 affecting conserved glycine (Gly) residues of the G-X-Y repeat region in th e triple helical collagen domain, where this variant is located, are strongly as sociated with EDS IV (Pepin 2000, Pepin 2014, Frank 2015). In summary, although additional studies are required to fully establish its clinical significance, th e p.Gly756Glu variant is likely pathogenic. ACMG/AMP Criteria applied (Richards 2015): PS4_Supporting, PM2, PP3, PM1.

Literature cited by the submitters: PubMed 35943490 (cited by Department of Clinical Genetics, Copenhagen University Hospital, Rigshospitalet); PubMed 7912131 (cited by 3 submitters); PubMed 7695699 (cited by Labcorp Genetics (formerly Invitae), Labcorp); PubMed 8218237 (cited by Labcorp Genetics (formerly Invitae), Labcorp); PubMed 19344236 (cited by Labcorp Genetics (formerly Invitae), Labcorp); PubMed 24922459 (cited by Labcorp Genetics (formerly Invitae), Labcorp); PubMed 25758994 (cited by Labcorp Genetics (formerly Invitae), Labcorp).

NM_000090.4(COL3A1):c.2267G>A (p.Gly756Glu)

Gene: COL3A1 (collagen type III alpha 1 chain; plus strand). Cytogenetic location: 2q32.2.
Variant type: single nucleotide variant.
Coding change: c.2267G>A on transcript NM_000090.4 (MANE Select); coding-DNA position 2267, G replaced by A.
Protein change: p.Gly756Glu; replaces glycine 756 with glutamic acid.
Molecular consequence: missense variant.
Genome position (GRCh38, 1-based): chr2:188,999,879, G>A. VCF-style: chr2-188999879-G-A. GRCh37 (hg19) VCF-style: chr2-189864605-G-A.
Other names: short protein forms G756E.
Identifiers: ClinVar variation 667403 (VCV000667403.15), dbSNP rs1576468562, ClinGen allele CA349841179.